The following is an entry in ClinVar:

NM_025114.4(CEP290):c.941A>G (p.Lys314Arg)

Gene: CEP290 (centrosomal protein 290; minus strand). Cytogenetic location: 12q21.32.
Variant type: single nucleotide variant.
Coding change: c.941A>G on transcript NM_025114.4 (MANE Select); coding-DNA position 941, A replaced by G.
Protein change: p.Lys314Arg; replaces lysine 314 with arginine.
Molecular consequence: missense variant.
Genome position (GRCh38, 1-based): chr12:88,128,947, T>C on the plus strand (A>G on the coding strand, the complement: CEP290 is on the minus strand). VCF-style: chr12-88128947-T-C. GRCh37 (hg19) VCF-style: chr12-88522724-T-C.
Other names: c.941A>G (NM_025114.3); short protein forms K314R.
Identifiers: ClinVar variation 4917954 (VCV004917954.2).
Genomic context (GRCh38, chr12:88,128,947, plus strand): 5'-TAAAATTTAAATCTAAAATACAAAAAGAAAAAGTTATTATGTCAATTGAAAAAAAATACC[T>C]TCCATTCTTCTACTTTTGCATTGACAGCTACCATAATTGGATCATCTTCTTCATTTTTTG-3'
Protein context (NP_079390.3, residues 304-324): VAVNAKVEEW[Lys314Arg]LILSSKDDEI

ClinVar aggregate classification (germline): Uncertain significance. Review status: criteria provided, multiple submitters, no conflicts (2 of 4 stars). 2 submissions from 2 submitters: Uncertain significance (2). Last evaluated 2026-06-01.

Conditions:
CEP290-related disorder. Also called: CEP290-related condition; CEP290-related disorders. Identifiers: MedGen CN239314.

gnomAD v4.1: 11 of 1,504,590 alleles (0.00073%); highest among the groups gnomAD compares: South Asian, 0.013%; no homozygotes.

Submissions (2):

PreventionGenetics, part of Exact Sciences
Classification: Uncertain significance for CEP290-related condition. Last evaluated: 2026-06-01. Review status: criteria provided, single submitter. Criteria: ACMG Guidelines, 2015. Collection method: clinical testing. Allele origin: germline.
Comment: The CEP290 c.941A>G variant is predicted to result in the amino acid substitution p.Lys314Arg. To our knowledge, this variant has not been reported in the literature. This variant is reported in 0.022% of alleles in individuals of South Asian descent in gnomAD. At this time, the clinical significance of this variant is uncertain due to the absence of conclusive functional and genetic evidence.

Blueprint Genetics
Classification: Uncertain significance. Last evaluated: 2024-08-21. Review status: criteria provided, single submitter. Criteria: ACMG Guidelines, 2015. Collection method: clinical testing. Allele origin: germline.